The following is an entry in ClinVar:

ClinVar aggregate classification (germline): Pathogenic/Likely pathogenic. Review status: criteria provided, multiple submitters, no conflicts (2 of 4 stars). 22 submissions from 21 submitters: Pathogenic (14); Likely pathogenic (3). 5 of the submissions do not count toward it. Last evaluated 2026-08-01.

Conditions:
AGL-related disorder. Also called: AGL-related condition.
Glycogen storage disease IIIa (GSD IIIa). Also called: Glycogen Storage Disease Type IIIa (GSD IIIa). Identifiers: MedGen C1968739.
Glycogen storage disease type III (GSD3). Also called: FORBES DISEASE; Cori disease. Identifiers: Orphanet 366, MedGen C0017922, MONDO:0009291, OMIM 232400.
Glycogen storage disease. Also called: glycogen storage disorder; Disorder of glycogen metabolism. Identifiers: Orphanet 79201, MedGen C0017919, MONDO:0002412.
Glycogen storage disease IIIb. Also called: Glycogen Storage Disease Type IIIb (GSD IIIb). Identifiers: MedGen C1968740.

Allele frequency attached by ClinVar (database versions not stated): gnomAD exomes 0.00006 and 0.00007; gnomAD 0.00006; TOPMed 0.00006; ExAC 0.00007; ESP Exome Variant Server 0.00015.
gnomAD v4.1: 113 of 1,581,996 alleles (0.0071%); highest among the groups gnomAD compares: Non-Finnish European, 0.0083%; no homozygotes.

Submissions (22):

CeGaT Center for Human Genetics Tuebingen
Classification: Pathogenic. Last evaluated: 2026-08-01. Review status: criteria provided, single submitter. Criteria: CeGaT Center For Human Genetics Tuebingen Variant Classification Criteria Version 2. Collection method: clinical testing. Allele origin: germline. Affected: yes. Observed: 2 variant alleles.
Comment: AGL: PVS1, PM3:Strong, PM2

PreventionGenetics, part of Exact Sciences
Classification: Pathogenic for AGL-related condition. Last evaluated: 2026-07-15. Review status: criteria provided, single submitter. Criteria: ACMG Guidelines, 2015. Collection method: clinical testing. Allele origin: germline.
Comment: The AGL c.4260-12A>G variant is predicted to interfere with splicing. This variant has been reported, homozygous, in four families with multiple affected individuals with glycogen storage disease type 3 (GSD III). Haplotype analysis showed that this variant is a founder mutation in Saudia Arabia and cDNA sequence analysis showed that it leads to a truncated protein (Basit et al. 2014. PubMed ID: 25827695). It’s also been reported in the homozygous and compound heterozygous state in multiple unrelated patients, including one patient who showed excessive accumulation of glycogen in the liver (Okubo et al. 1998. PubMed ID: 9490286, Hijazi et al. 2021. PubMed ID: 34820282, Table S1 - Fang et al. 2021. PubMed ID: 33763395). This variant is reported in 0.016% of alleles in individuals of African descent in gnomAD. This variant is interpreted as pathogenic.

Genetics Laboratory, Great Ormond Street Hospital NHS Foundation Trust, North Thames Genomic Laboratory Hub
Classification: Pathogenic for Glycogen storage disease. Last evaluated: 2026-04-17. Review status: criteria provided, single submitter. Criteria: ACGS Best Practice Guidelines for Variant Classification in Rare Disease 2024 v1.2. Collection method: clinical testing. Allele origin: germline. Affected: yes.
Comment: PM2_moderate, PVS1_very-strong, PP1_strong, PM3_very-strong

Labcorp Genetics (formerly Invitae), Labcorp
Classification: Pathogenic for Glycogen storage disease type III. Last evaluated: 2026-01-21. Review status: criteria provided, single submitter. Criteria: Invitae Variant Classification Sherloc (09022015). Collection method: clinical testing. Allele origin: germline.
Comment: This sequence change falls in intron 31 of the AGL gene. It does not directly change the encoded amino acid sequence of the AGL protein. RNA analysis indicates that this variant induces altered splicing and may result in an absent or altered protein product. This variant is present in population databases (rs369973784, gnomAD 0.02%). This variant has been observed in individuals with glycogen storage disease type III (GSDIII) (PMID: 9490286, 10655153, 11924557, 20648714, 22089644, 23430490, 25827695). It has also been observed to segregate with disease in related individuals. This variant is also known as IVS32-12A>G. ClinVar contains an entry for this variant (Variation ID: 1099). Studies have shown that this variant results in 11 nucleotide insertion, and produces a non-functional protein and/or introduces a premature termination codon (PMID: 9490286). For these reasons, this variant has been classified as Pathogenic.

Natera, Inc.
Classification: Pathogenic for Glycogen storage disease type III. Last evaluated: 2025-12-22. Review status: criteria provided, single submitter. Criteria: Natera Variant Classification Schema (03/2026). Collection method: clinical testing. Allele origin: germline.
Comment: The c.4260-12A>G variant in AGL is an intronic variant located outside the canonical splice sites. This variant is rare in the general population with a frequency below the threshold expected for the associated phenotype(s). This variant has been observed in one or more individuals affected with the associated recessive disease, as either homozygous or compound heterozygous with a second variant (PMID: 11924557, 26984562). Given the available evidence, this variant is classified as Pathogenic.

NHS Central & South Genomic Laboratory Hub
Classification: Pathogenic for Glycogen storage disease. Last evaluated: 2025-10-21. Review status: criteria provided, single submitter. Criteria: ACMG Guidelines, 2015. Collection method: clinical testing. Allele origin: germline. Affected: yes.

Genesolutions, Medical Genetics Institutes, Ho Chi Minh City, Vietnam
Classification: Likely pathogenic for Glycogen storage disease type III. Last evaluated: 2025-09-24. Review status: criteria provided, single submitter. Criteria: ACMG Guidelines, 2015. Collection method: clinical testing. Allele origin: germline. Affected: yes.

GeneDx
Classification: Likely pathogenic. Last evaluated: 2025-06-10. Review status: criteria provided, single submitter. Criteria: GeneDx Variant Classification Process June 2021. Collection method: clinical testing. Allele origin: germline.
Comment: Published functional studies demonstrate a damaging effect (PMID: 9490286); In silico analysis supports a deleterious effect on splicing; This variant is associated with the following publications: (PMID: 9490286, 33763395, 31589614, 25827695, 10655153, 20648714, 23430490, 26984562, 11924557, 34820282, 22089644, 39419286)

Revvity Omics, Revvity
Classification: Pathogenic for Glycogen storage disease type III. Last evaluated: 2024-11-01. Review status: criteria provided, single submitter. Criteria: ACMG Guidelines, 2015. Collection method: clinical testing. Allele origin: germline.

Blueprint Genetics
Classification: Pathogenic for AGL-related disorders. Last evaluated: 2024-10-21. Review status: criteria provided, single submitter. Criteria: ACMG Guidelines, 2015. Collection method: clinical testing. Allele origin: germline. Affected: yes. Observed: 5 variant alleles.

Genomic Medicine Center of Excellence, King Faisal Specialist Hospital and Research Centre
Classification: Pathogenic for Glycogen storage disease type III. Last evaluated: 2024-03-29. Review status: criteria provided, single submitter. Criteria: ACMG Guidelines, 2015. Collection method: clinical testing. Allele origin: germline.

Baylor Genetics
Classification: Pathogenic for Glycogen storage disease type III. Last evaluated: 2024-03-14. Review status: criteria provided, single submitter. Criteria: ACMG Guidelines, 2015. Collection method: clinical testing. Allele origin: unknown.

Fulgent Genetics
Classification: Pathogenic for Glycogen storage disease type III. Last evaluated: 2022-01-07. Review status: criteria provided, single submitter. Criteria: ACMG Guidelines, 2015. Collection method: clinical testing. Allele origin: unknown.

Genetics and Molecular Pathology, SA Pathology
Classification: Pathogenic for Glycogen storage disease type III. Last evaluated: 2021-07-12. Review status: criteria provided, single submitter. Criteria: ACMG Guidelines, 2015. Collection method: clinical testing. Allele origin: germline. Inheritance: Autosomal recessive inheritance. Affected: yes.

Genome-Nilou Lab
Classification: Likely pathogenic for Glycogen storage disease type III. Last evaluated: 2021-05-18. Review status: criteria provided, single submitter. Criteria: ACMG Guidelines, 2015. Collection method: clinical testing. Allele origin: germline. Affected: no.

Women's Health and Genetics/Laboratory Corporation of America, LabCorp
Classification: Pathogenic for Glycogen storage disease type III. Last evaluated: 2019-10-31. Review status: criteria provided, single submitter. Criteria: LabCorp Variant Classification Summary - May 2015. Collection method: clinical testing. Allele origin: germline.
Comment: Variant summary: AGL c.4260-12A>G alters a non-conserved nucleotide located close to a canonical splice site and therefore could affect mRNA splicing, leading to a significantly altered protein sequence. Several computational tools predict a significant impact on normal splicing: Two predict the variant abolishes a canonical 3 acceptor site. Three predict the variant creates a cryptic 3 acceptor site. At least two publication reports this variant created a new 3' splice site and resulted in insertion of an 11-bp intron sequence between exon 32 and exon 33 in the patients debrancher mRNA. The predicted mutant enzyme was truncated by 112 amino acids as a result of premature termination (p.Phe1420Hisfs*16) (Okubo_1998, Shaiu_2000). The variant allele was found at a frequency of 5.8e-05 in 243346 control chromosomes (gnomAD). c.4260-12A>G has been reported in the literature in multiple individuals in compound heterozygous or homozygous states affected with Glycogen Storage Disease Type III (Okubo_1998, Shaiu_2000, Lu_2016, Sentner_2012). These data indicate that the variant is very likely to be associated with disease. At least two publication reports this variant had an impact on protein function and debrancher activity in a liver specimen was reduced to less than 30% of the control value (Okubo_1998, Shaiu_2000). Two ClinVar submitters (evaluation after 2014) cite the variant as pathogenic. Based on the evidence outlined above, the variant was classified as pathogenic.

Eurofins Ntd Llc (ga)
Classification: Pathogenic. Last evaluated: 2014-06-13. Review status: criteria provided, single submitter. Criteria: EGL Classification Definitions 2015. Collection method: clinical testing. Allele origin: germline.

Mayo Clinic Laboratories, Mayo Clinic
Classification: Pathogenic. Last evaluated: 2018-01-09. Review status: no assertion criteria provided. Collection method: clinical testing. Allele origin: unknown. Not counted in ClinVar's aggregate classification.

Counsyl
Classification: Likely pathogenic for Glycogen storage disease type III. Last evaluated: 2014-09-30. Review status: no assertion criteria provided. Collection method: literature only. Allele origin: unknown. Inheritance: Autosomal recessive inheritance. Not counted in ClinVar's aggregate classification.

OMIM
Classification: Pathogenic for GLYCOGEN STORAGE DISEASE, TYPE IIIb. Last evaluated: 2000-01-01. Review status: no assertion criteria provided. Collection method: literature only. Allele origin: germline. Not counted in ClinVar's aggregate classification.

OMIM
Classification: Pathogenic for GLYCOGEN STORAGE DISEASE, TYPE IIIa. Last evaluated: 2000-01-01. Review status: no assertion criteria provided. Collection method: literature only. Allele origin: germline. Not counted in ClinVar's aggregate classification.

GeneReviews
No classification provided. Condition: Glycogen storage disease type III. Review status: no classification provided. Collection method: literature only. Allele origin: germline. Not counted in ClinVar's aggregate classification.
Comment: Associated with milder phenotype

Literature cited by the submitters: PubMed 9490286 (cited by 4 submitters); PubMed 10655153 (cited by 5 submitters); PubMed 11924557 (cited by 3 submitters); PubMed 20648714 (cited by Labcorp Genetics (formerly Invitae), Labcorp and Counsyl); PubMed 22089644 (cited by Labcorp Genetics (formerly Invitae), Labcorp and Counsyl); PubMed 23430490 (cited by 3 submitters); PubMed 25827695 (cited by Labcorp Genetics (formerly Invitae), Labcorp); PubMed 26984562 (cited by Natera, Inc. and Women's Health and Genetics/Laboratory Corporation of America, LabCorp); PubMed 10801050 (cited by Women's Health and Genetics/Laboratory Corporation of America, LabCorp); NCBI Bookshelf NBK26372 (cited by GeneReviews).

NM_000642.3(AGL):c.4260-12A>G

Gene: AGL (amylo-alpha-1,6-glucosidase and 4-alpha-glucanotransferase; plus strand). Cytogenetic location: 1p21.2.
Variant type: single nucleotide variant.
Coding change: c.4260-12A>G on transcript NM_000642.3 (MANE Select); 12 bases into the intron before coding-DNA position 4260, A replaced by G.
Molecular consequence: intron variant.
Genome position (GRCh38, 1-based): chr1:99,916,398, A>G. VCF-style: chr1-99916398-A-G. GRCh37 (hg19) VCF-style: chr1-100381954-A-G.
Other names: IVS32AS, A-G, -12; c.4260-12A>G (NM_000643.3, NM_000644.3, NM_001425325.1 and 1 more transcripts); c.4212-12A>G (NM_000646.3); c.4239-12A>G (NM_001425326.1); c.4059-12A>G (NM_001425327.1); c.4056-12A>G (NM_001425328.1); c.3921-12A>G (NM_001425329.1); c.3882-12A>G (NM_001425332.1).
Identifiers: ClinVar variation 1099 (VCV000001099.45), dbSNP rs369973784, ClinGen allele CA114759.